The following is an entry in ClinVar:

NM_000428.3(LTBP2):c.4034-1G>T

Gene: LTBP2 (latent transforming growth factor beta binding protein 2; minus strand). Cytogenetic location: 14q24.3.
Variant type: single nucleotide variant.
Coding change: c.4034-1G>T on transcript NM_000428.3 (MANE Select); the canonical splice acceptor site of the intron before coding-DNA position 4034, G replaced by T.
Molecular consequence: splice acceptor variant.
Genome position (GRCh38, 1-based): chr14:74,506,192, C>A on the plus strand (G>T on the coding strand, the complement: LTBP2 is on the minus strand). VCF-style: chr14-74506192-C-A. GRCh37 (hg19) VCF-style: chr14-74972895-C-A.
Identifiers: ClinVar variation 4734655 (VCV004734655.1).
Genomic context (GRCh38, chr14:74,506,192, plus strand): 5'-CCACGTTCTCACAGAGCGCGGCCCCACATACCGCCAGCATAAGCTCACACTCGTTCACAT[C>A]TGCCAGGTGTGAGAACAGGCTCGTGGGCAGAAAAGAGGCAGCCCGTGCCCCCTGCCCCTG-3'

ClinVar aggregate classification (germline): Likely pathogenic (1 of 4 stars; one submission).

Submission:

Labcorp Genetics (formerly Invitae), Labcorp
Classification: Likely pathogenic. Last evaluated: 2026-01-03. Review status: criteria provided, single submitter. Criteria: Invitae Variant Classification Sherloc (09022015). Collection method: clinical testing. Allele origin: germline.
Comment: This sequence change affects an acceptor splice site in intron 27 of the LTBP2 gene. It is expected to disrupt RNA splicing. Variants that disrupt the donor or acceptor splice site typically lead to a loss of protein function (PMID: 16199547), and loss-of-function variants in LTBP2 are known to be pathogenic (PMID: 19361779, 19656777, 22025892). This variant is not present in population databases (gnomAD no frequency). This variant has not been reported in the literature in individuals affected with LTBP2-related conditions. Algorithms developed to predict the effect of sequence changes on RNA splicing suggest that this variant may disrupt the consensus splice site. In summary, the currently available evidence indicates that the variant is pathogenic, but additional data are needed to prove that conclusively. Therefore, this variant has been classified as Likely Pathogenic.

Literature cited by the submitters: PubMed 16199547; PubMed 19361779; PubMed 19656777; PubMed 22025892.